The following is an entry in ClinVar:

NM_000245.4(MET):c.2780C>T (p.Pro927Leu)

Gene: MET (MET proto-oncogene, receptor tyrosine kinase; plus strand). Cytogenetic location: 7q31.2.
Variant type: single nucleotide variant.
Coding change: c.2780C>T on transcript NM_000245.4 (MANE Select); coding-DNA position 2780, C replaced by T.
Protein change: p.Pro927Leu; replaces proline 927 with leucine.
Molecular consequence: missense variant.
Genome position (GRCh38, 1-based): chr7:116,771,547, C>T. VCF-style: chr7-116771547-C-T. GRCh37 (hg19) VCF-style: chr7-116411601-C-T.
Other names: c.2834C>T, p.Pro945Leu (NM_001127500.3); c.1490C>T, p.Pro497Leu (NM_001324402.2); short protein forms P497L, P927L, P945L.
Identifiers: ClinVar variation 4741125 (VCV004741125.1).

ClinVar aggregate classification (germline): Uncertain significance (1 of 4 stars; one submission).

Conditions:
Renal cell carcinoma. Identifiers: Orphanet 217071, MedGen C0007134, MeSH D002292, MONDO:0005086, HP:0005584.

Submission:

Labcorp Genetics (formerly Invitae), Labcorp
Classification: Uncertain significance for Renal cell carcinoma. Last evaluated: 2025-12-17. Review status: criteria provided, single submitter. Criteria: Invitae Variant Classification Sherloc (09022015). Collection method: clinical testing. Allele origin: germline.
Comment: This sequence change replaces proline, which is neutral and non-polar, with leucine, which is neutral and non-polar, at codon 945 of the MET protein (p.Pro945Leu). This variant is not present in population databases (gnomAD no frequency). This variant has not been reported in the literature in individuals affected with MET-related conditions. Invitae Evidence Modeling of protein sequence and biophysical properties (such as structural, functional, and spatial information, amino acid conservation, physicochemical variation, residue mobility, and thermodynamic stability) indicates that this missense variant is not expected to disrupt MET protein function with a negative predictive value of 80%. In summary, the available evidence is currently insufficient to determine the role of this variant in disease. Therefore, it has been classified as a Variant of Uncertain Significance.